The following is an entry in ClinVar:

ClinVar aggregate classification (germline): Uncertain significance (1 of 4 stars; one submission).

Conditions:
Hereditary cancer-predisposing syndrome. Also called: Neoplastic Syndromes, Hereditary; Tumor predisposition; Hereditary Cancer Syndrome; Hereditary neoplastic syndrome. Identifiers: Orphanet 140162, MedGen C0027672, MeSH D009386, MONDO:0015356.

Submission:

Ambry Genetics
Classification: Uncertain significance for Hereditary cancer-predisposing syndrome. Last evaluated: 2025-12-15. Review status: criteria provided, single submitter. Criteria: Ambry Variant Classification Scheme 2023. Collection method: clinical testing. Allele origin: germline.
Comment: The p.P49S variant (also known as c.145C>T), located in coding exon 1 of the SMARCA4 gene, results from a C to T substitution at nucleotide position 145. The proline at codon 49 is replaced by serine, an amino acid with similar properties. This amino acid position is highly conserved in available vertebrate species. In addition, the in silico prediction for this alteration is inconclusive. Based on the available evidence, the clinical significance of this variant remains unclear.

NM_003072.5(SMARCA4):c.145C>T (p.Pro49Ser)

Gene: SMARCA4 (SWI/SNF related BAF chromatin remodeling complex subunit ATPase 4; plus strand). Cytogenetic location: 19p13.2.
Variant type: single nucleotide variant.
Coding change: c.145C>T on transcript NM_003072.5 (MANE Select); coding-DNA position 145, C replaced by T.
Protein change: p.Pro49Ser; replaces proline 49 with serine.
Molecular consequence: missense variant. On other transcripts: non-coding transcript variant (1).
Genome position (GRCh38, 1-based): chr19:10,984,296, C>T. VCF-style: chr19-10984296-C-T. GRCh37 (hg19) VCF-style: chr19-11094972-C-T.
Other names: c.145C>T, p.Pro49Ser (NM_001128844.3, NM_001128845.2, NM_001128846.2 and 6 more transcripts); short protein forms P49S.
Identifiers: ClinVar variation 4843564 (VCV004843564.1).
Genomic context (GRCh38, chr19:10,984,296, plus strand): 5'-GGCCCTAGCCCGGGTCCCTCGCCGGGCTCCGCCCACAGCATGATGGGGCCCAGCCCAGGG[C>T]CGCCCTCAGCAGGACACCCCATCCCCACCCAGGGGCCTGGAGGGTACCCTCAGGACAACA-3'
Protein context (NP_003063.2, residues 39-59): AHSMMGPSPG[Pro49Ser]PSAGHPIPTQ